The following is an entry in ClinVar:

ClinVar aggregate classification (germline): Uncertain significance (1 of 4 stars; one submission).

Allele frequency attached by ClinVar (database versions not stated): gnomAD 0.00001; TOPMed 0.00001; ExAC 0.00002.
gnomAD v4.1: 17 of 1,614,096 alleles (0.0011%); highest among the groups gnomAD compares: Non-Finnish European, 0.0014%; no homozygotes.

Submission:

Labcorp Genetics (formerly Invitae), Labcorp
Classification: Uncertain significance. Last evaluated: 2021-04-30. Review status: criteria provided, single submitter. Criteria: Invitae Variant Classification Sherloc (09022015). Collection method: clinical testing. Allele origin: germline.
Comment: In summary, the available evidence is currently insufficient to determine the role of this variant in disease. Therefore, it has been classified as a Variant of Uncertain Significance. Algorithms developed to predict the effect of missense changes on protein structure and function are either unavailable or do not agree on the potential impact of this missense change (SIFT: "Tolerated"; PolyPhen-2: "Probably Damaging"; Align-GVGD: "Class C0"). This variant has not been reported in the literature in individuals with LIG1-related conditions. This variant is present in population databases (rs772420721, ExAC 0.005%). This sequence change replaces aspartic acid with asparagine at codon 784 of the LIG1 protein (p.Asp784Asn). The aspartic acid residue is highly conserved and there is a small physicochemical difference between aspartic acid and asparagine.

NM_000234.3(LIG1):c.2350G>A (p.Asp784Asn)

Gene: LIG1 (DNA ligase 1; minus strand). Cytogenetic location: 19q13.33.
Variant type: single nucleotide variant.
Coding change: c.2350G>A on transcript NM_000234.3 (MANE Select); coding-DNA position 2350, G replaced by A.
Protein change: p.Asp784Asn; replaces aspartic acid 784 with asparagine.
Molecular consequence: missense variant. On other transcripts: non-coding transcript variant (6).
Genome position (GRCh38, 1-based): chr19:48,121,205, C>T on the plus strand (G>A on the coding strand, the complement: LIG1 is on the minus strand). VCF-style: chr19-48121205-C-T. GRCh37 (hg19) VCF-style: chr19-48624462-C-T.
Other names: c.2257G>A, p.Asp753Asn (NM_001289063.2); c.2146G>A, p.Asp716Asn (NM_001289064.2); c.2347G>A, p.Asp783Asn (NM_001320970.2); c.2260G>A, p.Asp754Asn (NM_001320971.2); short protein forms D716N, D753N, D784N, D783N, D754N.
Identifiers: ClinVar variation 1515346 (VCV001515346.6), dbSNP rs772420721, ClinGen allele CA9546452.